The following is an entry in ClinVar:

ClinVar aggregate classification (germline): Uncertain significance. Review status: criteria provided, multiple submitters, no conflicts (2 of 4 stars). 6 submissions from 6 submitters: Uncertain significance (6). Last evaluated 2025-12-24.

Conditions:
Hereditary cancer-predisposing syndrome. Also called: Hereditary neoplastic syndrome; Hereditary Cancer Syndrome; Neoplastic Syndromes, Hereditary; Tumor predisposition. Identifiers: Orphanet 140162, MedGen C0027672, MeSH D009386, MONDO:0015356.
Familial cancer of breast. Also called: BREAST CANCER, FAMILIAL; hereditary breast carcinoma; Hereditary breast cancer. Identifiers: Orphanet 227535, MedGen C0346153, MONDO:0016419, OMIM 114480. Disease mechanism: loss of function.

Allele frequency attached by ClinVar (database versions not stated): TOPMed below 0.00001.
gnomAD v4.1: 5 of 1,613,272 alleles (0.00031%); highest among the groups gnomAD compares: Non-Finnish European, 0.00042%; no homozygotes.

Submissions (6):

Labcorp Genetics (formerly Invitae), Labcorp
Classification: Uncertain significance for Familial cancer of breast. Last evaluated: 2025-12-24. Review status: criteria provided, single submitter. Criteria: Invitae Variant Classification Sherloc (09022015). Collection method: clinical testing. Allele origin: germline.
Comment: This sequence change replaces glycine, which is neutral and non-polar, with tryptophan, which is neutral and slightly polar, at codon 306 of the CHEK2 protein (p.Gly306Trp). This variant is not present in population databases (gnomAD no frequency). This variant has not been reported in the literature in individuals affected with CHEK2-related conditions. ClinVar contains an entry for this variant (Variation ID: 234670). An algorithm developed to predict the effect of missense changes on protein structure and function (PolyPhen-2) suggests that this variant is likely to be disruptive. In summary, the available evidence is currently insufficient to determine the role of this variant in disease. Therefore, it has been classified as a Variant of Uncertain Significance.

Ambry Genetics
Classification: Uncertain significance for Hereditary cancer-predisposing syndrome. Last evaluated: 2025-02-26. Review status: criteria provided, single submitter. Criteria: Ambry Variant Classification Scheme 2023. Collection method: clinical testing. Allele origin: germline.
Comment: The p.G306W variant (also known as c.916G>T), located in coding exon 8 of the CHEK2 gene, results from a G to T substitution at nucleotide position 916. The glycine at codon 306 is replaced by tryptophan, an amino acid with highly dissimilar properties. This alteration has been reported in at least one subject in a study of 13087 breast cancer cases and 5488 control individuals in the UK (Decker B et al. J. Med. Genet., 2017 11;54:732-741). This amino acid position is highly conserved in available vertebrate species. In addition, this alteration is predicted to be deleterious by in silico analysis. Since supporting evidence is limited at this time, the clinical significance of this alteration remains unclear.

Baylor Genetics
Classification: Uncertain significance for Familial cancer of breast. Last evaluated: 2024-03-19. Review status: criteria provided, single submitter. Criteria: ACMG Guidelines, 2015. Collection method: clinical testing. Allele origin: unknown.

Color Diagnostics, LLC DBA Color Health
Classification: Uncertain significance for Hereditary cancer-predisposing syndrome. Last evaluated: 2018-09-02. Review status: criteria provided, single submitter. Criteria: ACMG Guidelines, 2015. Collection method: clinical testing. Allele origin: germline.

Quest Diagnostics Nichols Institute San Juan Capistrano
Classification: Uncertain significance. Last evaluated: 2017-07-25. Review status: criteria provided, single submitter. Criteria: Quest Diagnostics criteria. Collection method: clinical testing. Allele origin: germline.

GeneDx
Classification: Uncertain significance. Last evaluated: 2016-08-11. Review status: criteria provided, single submitter. Criteria: GeneDx Variant Classification (06012015). Collection method: clinical testing. Allele origin: germline. Affected: yes.
Comment: This variant is denoted CHEK2 c.916G>T at the cDNA level, p.Gly306Trp (G306W) at the protein level, and results in the change of a Glycine to a Tryptophan (GGG>TGG). This variant has not, to our knowledge, been published in the literature as pathogenic or benign; however, a different variant at the same residue, Gly306Ala, has shown loss of DNA damage response activity in a yeast-based assay (Roeb 2012). CHEK2 Gly306Trp was not observed in approximately 6,500 individuals of European and African American ancestry in the NHLBI Exome Sequencing Project, suggesting it is not a common benign variant in these populations. Since Glycine and Tryptophan differ in some properties, this is considered a semi-conservative amino acid substitution. CHEK2 Gly306Trp occurs at a position that is conserved across species and is located in the protein kinase domain and a region involved in ATP nucleotide binding (Roeb 2012, UniProt). In silico analyses predict that this variant is probably damaging to protein structure and function. Based on currently available evidence, it is unclear whether CHEK2 Gly306Trp is a pathogenic or benign variant. We consider it to be a variant of uncertain significance.

Literature cited by the submitters: PubMed 22419737 (cited by Ambry Genetics); PubMed 28779002 (cited by Ambry Genetics).

NM_007194.4(CHEK2):c.916G>T (p.Gly306Trp)

Gene: CHEK2 (checkpoint kinase 2; minus strand). Cytogenetic location: 22q12.1.
Variant type: single nucleotide variant.
Coding change: c.916G>T on transcript NM_007194.4 (MANE Select); coding-DNA position 916, G replaced by T.
Protein change: p.Gly306Trp; replaces glycine 306 with tryptophan.
Molecular consequence: missense variant.
Genome position (GRCh38, 1-based): chr22:28,699,930, C>A on the plus strand (G>T on the coding strand, the complement: CHEK2 is on the minus strand). VCF-style: chr22-28699930-C-A. GRCh37 (hg19) VCF-style: chr22-29095918-C-A.
Other names: c.1045G>T, p.Gly349Trp (NM_001005735.3); c.253G>T, p.Gly85Trp (NM_001257387.3); c.715G>T, p.Gly239Trp (NM_001349956.3); c.916G>T, p.Gly306Trp (NM_145862.3); short protein forms G306W, G239W, G349W, G85W.
Identifiers: ClinVar variation 234670 (VCV000234670.21), dbSNP rs587783051, ClinGen allele CA10577636.
Genomic context (GRCh38, chr22:28,699,930, plus strand): 5'-GCTTGCAGGTAGCTTCTTTCAGGCGTTTATTCCCCACCACTTTGTCAAACAGCTCTCCCC[C>A]TTCCATCCTGAAACACAAAGGCAAGGCAAGGGGTTCATTCCTGGGGGAAAACGCACTTGG-3'
Protein context (NP_009125.1, residues 296-316): DYYIVLELME[Gly306Trp]GELFDKVVGN